The following is an entry in ClinVar:

ClinVar aggregate classification (germline): Uncertain significance (1 of 4 stars; one submission).

gnomAD v4.1: 1 of 1,581,834 alleles (0.000063%); highest among the groups gnomAD compares: South Asian, 0.0011%; no homozygotes.

Submission:

Dasa
Classification: Uncertain significance. Last evaluated: 2026-05-12. Review status: criteria provided, single submitter. Criteria: DASA Assertion Criteria. Collection method: clinical testing. Allele origin: germline.
Comment: NM_001165963.4(SCN1A):c.375G>C (p.Leu125Phe) is a missense variant that results in the substitution of leucine with phenylalanine. This variant is rare in population databases. Computational prediction algorithms are consistent with a deleterious effect. The currently available literature and clinical evidence are not sufficient to establish a definitive association between this variant and the reported condition. Therefore, this variant is classified as a variant of uncertain significance.

NM_001165963.4(SCN1A):c.375G>C (p.Leu125Phe)

Gene: SCN1A (sodium voltage-gated channel alpha subunit 1; minus strand). Cytogenetic location: 2q24.3.
Variant type: single nucleotide variant.
Coding change: c.375G>C on transcript NM_001165963.4 (MANE Select); coding-DNA position 375, G replaced by C.
Protein change: p.Leu125Phe; replaces leucine 125 with phenylalanine.
Molecular consequence: missense variant. On other transcripts: 5 prime UTR variant (1), non-coding transcript variant (1).
Genome position (GRCh38, 1-based): chr2:166,058,578, C>G on the plus strand (G>C on the coding strand, the complement: SCN1A is on the minus strand). VCF-style: chr2-166058578-C-G. GRCh37 (hg19) VCF-style: chr2-166915088-C-G.
Other names: c.375G>C, p.Leu125Phe (NM_001353949.2, NM_001353950.2, NM_001353951.2 and 10 more transcripts); c.-2051G>C (NM_001353961.2); short protein forms L125F.
Identifiers: ClinVar variation 5020581 (VCV005020581.1).
Genomic context (GRCh38, chr2:166,058,578, plus strand): 5'-TGCTTACAGATCATGTACAAATAGTTAATATTAATCACTTGAAAAAGGATATGAATGTAC[C>G]AAAATCTTAATAGCTATTTTCCTAAGAGGATTGAAGGGAGTTAAAATGTACAGGGCAGAG-3'
Protein context (NP_001159435.1, residues 115-135): NPLRKIAIKI[Leu125Phe]VHSLFSMLIM